The following is an entry in ClinVar:

ClinVar aggregate classification (germline): Conflicting classifications of pathogenicity. Review status: criteria provided, conflicting classifications (1 of 4 stars). 3 submissions from 3 submitters: Likely pathogenic (1); Uncertain significance (2). Last evaluated 2023-12-02.

Conditions:
Wilson disease (WND). Also called: Wilson's disease. Identifiers: Orphanet 905, MedGen C0019202, MONDO:0010200, OMIM 277900. Disease mechanism: loss of function.

Submissions (3):

Labcorp Genetics (formerly Invitae), Labcorp
Classification: Uncertain significance for Wilson disease. Last evaluated: 2023-12-02. Review status: criteria provided, single submitter. Criteria: Invitae Variant Classification Sherloc (09022015). Collection method: clinical testing. Allele origin: germline.
Comment: This sequence change replaces proline, which is neutral and non-polar, with threonine, which is neutral and polar, at codon 767 of the ATP7B protein (p.Pro767Thr). This variant is not present in population databases (gnomAD no frequency). This variant has not been reported in the literature in individuals affected with ATP7B-related conditions. ClinVar contains an entry for this variant (Variation ID: 1691437). Advanced modeling of protein sequence and biophysical properties (such as structural, functional, and spatial information, amino acid conservation, physicochemical variation, residue mobility, and thermodynamic stability) performed at Invitae indicates that this missense variant is not expected to disrupt ATP7B protein function with a negative predictive value of 80%. This variant disrupts the p.Pro767 amino acid residue in ATP7B. Other variant(s) that disrupt this residue have been determined to be pathogenic (PMID: 25497208; Invitae). This suggests that this residue is clinically significant, and that variants that disrupt this residue are likely to be disease-causing. In summary, the available evidence is currently insufficient to determine the role of this variant in disease. Therefore, it has been classified as a Variant of Uncertain Significance.

All of Us Research Program, National Institutes of Health
Classification: Uncertain significance for Wilson disease. Last evaluated: 2023-08-15. Review status: criteria provided, single submitter. Criteria: ACMG Guidelines, 2015. Collection method: clinical testing. Allele origin: germline. Inheritance: Autosomal recessive inheritance. Observed: 1 variant allele, 1 heterozygote.
Comment: This missense variant replaces proline with threonine at codon 767 of the ATP7B protein. Computational prediction suggests that this variant may have deleterious impact on protein structure and function (internally defined REVEL score threshold >= 0.7, PMID: 27666373). Although functional studies have not been reported for this variant, it alters a conserved proline residue in the transmembrane domain M4 of the ATP7B protein (a.a. 764 - 784), a highly conserved region that is considered to be important for ATP7B protein function (PMID: 35245129; ClinVar). This variant has not been reported in individuals affected with ATP7B-related disorders in the literature and has not been identified in the general population by the Genome Aggregation Database (gnomAD). A different missense variant affecting the same codon, p.Pro767Leu, is known to be disease-causing (ClinVar variation ID: 651012). Although there is a suspicion for a pathogenic role, the available evidence is insufficient to determine the role of this variant in disease conclusively due to the lack of variant-specific clinical and functional data. Therefore, this variant is classified as a Variant of Uncertain Significance.

This study involves interpretation of variants in research participants for the purpose of population health screening. Participant phenotype was not available at the time of variant classification. Additional details can be found in publication PMID: 35346344, PMCID: PMC8962531

Mayo Clinic Laboratories, Mayo Clinic
Classification: Likely pathogenic. Last evaluated: 2021-04-20. Review status: criteria provided, single submitter. Criteria: ACMG Guidelines, 2015. Collection method: clinical testing. Allele origin: germline.
Comment: PM1, PM2, PM5, PP3

Literature cited by the submitters: PubMed 25497208 (cited by Labcorp Genetics (formerly Invitae), Labcorp); PubMed 35245129 (cited by All of Us Research Program, National Institutes of Health).

NM_000053.4(ATP7B):c.2299C>A (p.Pro767Thr)

Gene: ATP7B (ATPase copper transporting beta; minus strand). Cytogenetic location: 13q14.3.
Variant type: single nucleotide variant.
Coding change: c.2299C>A on transcript NM_000053.4 (MANE Select); coding-DNA position 2299, C replaced by A.
Protein change: p.Pro767Thr; replaces proline 767 with threonine.
Molecular consequence: missense variant. On other transcripts: intron variant (2).
Genome position (GRCh38, 1-based): chr13:51,958,367, G>T on the plus strand (C>A on the coding strand, the complement: ATP7B is on the minus strand). VCF-style: chr13-51958367-G-T. GRCh37 (hg19) VCF-style: chr13-52532503-G-T.
Other names: p.Pro767Thr; c.1966C>A, p.Pro656Thr (NM_001243182.2); c.2047C>A, p.Pro683Thr (NM_001330579.2); c.1870-760C>A (NM_001005918.3); c.2122-760C>A (NM_001330578.2); short protein forms P656T, P683T, P767T.
Identifiers: ClinVar variation 1691437 (VCV001691437.11), dbSNP rs2139531503, ClinGen allele CA388021804.